The following is an entry in ClinVar:

ClinVar aggregate classification (germline): Conflicting classifications of pathogenicity. Review status: criteria provided, conflicting classifications (1 of 4 stars). 2 submissions from 2 submitters: Uncertain significance (1); Benign (1). Last evaluated 2023-10-01.

Conditions:
Retinal dystrophy. Also called: Inherited retinal dystrophy. Identifiers: Orphanet 71862, MedGen C0854723, MeSH D058499, MONDO:0019118, HP:0000556.

Allele frequency attached by ClinVar (database versions not stated): ExAC 0.00008.

Submissions (2):

Dept Of Ophthalmology, Nagoya University
Classification: Benign for Retinal dystrophy. Last evaluated: 2023-10-01. Review status: criteria provided, single submitter. Criteria: Submitter's publication. Collection method: research. Allele origin: germline. Affected: yes.

Labcorp Genetics (formerly Invitae), Labcorp
Classification: Uncertain significance. Last evaluated: 2023-07-20. Review status: criteria provided, single submitter. Criteria: Invitae Variant Classification Sherloc (09022015). Collection method: clinical testing. Allele origin: germline.
Comment: This variant is present in population databases (rs767366023, gnomAD 0.08%), and has an allele count higher than expected for a pathogenic variant. This sequence change replaces valine, which is neutral and non-polar, with alanine, which is neutral and non-polar, at codon 71 of the SPP2 protein (p.Val71Ala). This variant has not been reported in the literature in individuals affected with SPP2-related conditions. An algorithm developed to predict the effect of missense changes on protein structure and function (PolyPhen-2) suggests that this variant is likely to be disruptive. In summary, the available evidence is currently insufficient to determine the role of this variant in disease. Therefore, it has been classified as a Variant of Uncertain Significance.

NM_006944.3(SPP2):c.212T>C (p.Val71Ala)

Gene: SPP2 (secreted phosphoprotein 2; plus strand). Cytogenetic location: 2q37.1.
Variant type: single nucleotide variant.
Coding change: c.212T>C on transcript NM_006944.3 (MANE Select); coding-DNA position 212, T replaced by C.
Protein change: p.Val71Ala; replaces valine 71 with alanine.
Molecular consequence: missense variant.
Genome position (GRCh38, 1-based): chr2:234,058,837, T>C. VCF-style: chr2-234058837-T-C. GRCh37 (hg19) VCF-style: chr2-234967481-T-C.
Other names: short protein forms V71A.
Identifiers: ClinVar variation 2984564 (VCV002984564.4), dbSNP rs767366023, ClinGen allele CA2183124.
Genomic context (GRCh38, chr2:234,058,837, plus strand): 5'-ATAGCATCATAAACTTCAGAAATGCATTGATCACACTCTGAAACTTTATTTTTGTGAAGG[T>C]TGAGGTCCTAGATGAGAACAACTTGGTCATGAATTTAGAGTTCAGCATCCGGGAGACTAC-3'
Protein context (NP_008875.1, residues 61-81): FRAFRSSLKR[Val71Ala]EVLDENNLVM